The following is an entry in ClinVar:

ClinVar aggregate classification (germline): Uncertain significance (1 of 4 stars; one submission).

Submission:

GeneDx
Classification: Uncertain significance. Last evaluated: 2022-02-17. Review status: criteria provided, single submitter. Criteria: GeneDx Variant Classification Process June 2021. Collection method: clinical testing. Allele origin: germline. Affected: yes.
Comment: De novo variant with confirmed parentage; however, the reported clinical features are only partially consistent with the features typically observed in individuals with pathogenic variants in this gene; Not observed at significant frequency in large population cohorts (gnomAD); In silico analysis supports that this missense variant does not alter protein structure/function; Has not been previously published as pathogenic or benign to our knowledge

NM_001130438.3(SPTAN1):c.1298A>T (p.Tyr433Phe)

Gene: SPTAN1 (spectrin alpha, non-erythrocytic 1; plus strand). Cytogenetic location: 9q34.11.
Variant type: single nucleotide variant.
Coding change: c.1298A>T on transcript NM_001130438.3 (MANE Select); coding-DNA position 1298, A replaced by T.
Protein change: p.Tyr433Phe; replaces tyrosine 433 with phenylalanine.
Molecular consequence: missense variant.
Genome position (GRCh38, 1-based): chr9:128,579,713, A>T. VCF-style: chr9-128579713-A-T. GRCh37 (hg19) VCF-style: chr9-131341992-A-T.
Other names: c.1298A>T, p.Tyr433Phe (NM_001195532.2, NM_001363759.2, NM_001363765.2 and 5 more transcripts); c.1334A>T, p.Tyr445Phe (NM_001375312.2, NM_001375318.1); short protein forms Y433F, Y445F.
Identifiers: ClinVar variation 1702536 (VCV001702536.2), dbSNP rs2131062140, ClinGen allele CA375052326.